The following is an entry in ClinVar:

NM_145331.3(MAP3K7):c.425C>G (p.Ala142Gly)

Gene: MAP3K7 (mitogen-activated protein kinase kinase kinase 7; minus strand). Cytogenetic location: 6q15.
Variant type: single nucleotide variant.
Coding change: c.425C>G on transcript NM_145331.3 (MANE Select); coding-DNA position 425, C replaced by G.
Protein change: p.Ala142Gly; replaces alanine 142 with glycine.
Molecular consequence: missense variant.
Genome position (GRCh38, 1-based): chr6:90,560,133, G>C on the plus strand (C>G on the coding strand, the complement: MAP3K7 is on the minus strand). VCF-style: chr6-90560133-G-C. GRCh37 (hg19) VCF-style: chr6-91269852-G-C.
Other names: c.425C>G, p.Ala142Gly (NM_003188.4, NM_145332.3, NM_145333.3); short protein forms A142G.
Identifiers: ClinVar variation 3658640 (VCV003658640.2).

ClinVar aggregate classification (germline): Uncertain significance (1 of 4 stars; one submission).

Submission:

Labcorp Genetics (formerly Invitae), Labcorp
Classification: Uncertain significance. Last evaluated: 2024-08-07. Review status: criteria provided, single submitter. Criteria: Invitae Variant Classification Sherloc (09022015). Collection method: clinical testing. Allele origin: germline.
Comment: This sequence change replaces alanine, which is neutral and non-polar, with glycine, which is neutral and non-polar, at codon 142 of the MAP3K7 protein (p.Ala142Gly). This variant is not present in population databases (gnomAD no frequency). This variant has not been reported in the literature in individuals affected with MAP3K7-related conditions. An algorithm developed to predict the effect of missense changes on protein structure and function (PolyPhen-2) suggests that this variant is likely to be disruptive. In summary, the available evidence is currently insufficient to determine the role of this variant in disease. Therefore, it has been classified as a Variant of Uncertain Significance.